The following is an entry in ClinVar:

NM_015267.4(CUX2):c.1481C>T (p.Pro494Leu)

Gene: CUX2 (cut like homeobox 2; plus strand). Cytogenetic location: 12q24.12.
Variant type: single nucleotide variant.
Coding change: c.1481C>T on transcript NM_015267.4 (MANE Select); coding-DNA position 1481, C replaced by T.
Protein change: p.Pro494Leu; replaces proline 494 with leucine.
Molecular consequence: missense variant.
Genome position (GRCh38, 1-based): chr12:111,310,263, C>T. VCF-style: chr12-111310263-C-T. GRCh37 (hg19) VCF-style: chr12-111748067-C-T.
Other names: c.1295C>T, p.Pro432Leu (NM_001370598.1); short protein forms P432L, P494L.
Identifiers: ClinVar variation 1696662 (VCV001696662.1), dbSNP rs2136373221, ClinGen allele CA386709263.

ClinVar aggregate classification (germline): Uncertain significance (1 of 4 stars; one submission).

Conditions:
Developmental and epileptic encephalopathy, 67. Also called: EPILEPTIC ENCEPHALOPATHY, EARLY INFANTILE, 67. Identifiers: MedGen C4748341, MONDO:0029138, OMIM 618141.

Submission:

New York Genome Center
Classification: Uncertain significance for Developmental and epileptic encephalopathy, 67. Last evaluated: 2021-08-25. Review status: criteria provided, single submitter. Criteria: NYGC Assertion Criteria 2020. Collection method: clinical testing. Allele origin: germline. Observed: 1 heterozygote. Study: CSER-NYCKidSeq.
Comment: The c.1481C>T, p.Pro494Leu missense variant identified in the CUX2 gene has not been reported in the literature. This variant is absent from the gnomAD v3.1.1 database, suggesting it is not a common benign variant in the populations represented in this database. In silico tools predict a conflicting effect of pathogenicity and the position is not strongly conserved (GERP++ = 4.11). Based on the available evidence, the missense variant c.1481C>T, p.Pro494Leu in the CUX2 gene is classified as a Variant of Uncertain Significance.